The following is an entry in ClinVar:

NM_004656.4(BAP1):c.1385C>G (p.Pro462Arg)

Gene: BAP1 (BRCA1 associated deubiquitinase 1; minus strand). Cytogenetic location: 3p21.1.
Variant type: single nucleotide variant.
Coding change: c.1385C>G on transcript NM_004656.4 (MANE Select); coding-DNA position 1385, C replaced by G.
Protein change: p.Pro462Arg; replaces proline 462 with arginine.
Molecular consequence: missense variant.
Genome position (GRCh38, 1-based): chr3:52,403,760, G>C on the plus strand (C>G on the coding strand, the complement: BAP1 is on the minus strand). VCF-style: chr3-52403760-G-C. GRCh37 (hg19) VCF-style: chr3-52437776-G-C.
Other names: c.1331C>G, p.Pro444Arg (NM_001410772.1); short protein forms P444R, P462R.
Identifiers: ClinVar variation 3685756 (VCV003685756.2).
Genomic context (GRCh38, chr3:52,403,760, plus strand): 5'-GAGTGTGTGGGCACTGCCACAGCCGGACTCCCAGCCCCGCTGCTAGTCTTGATGGACAGA[G>C]GAATTGAGAGGTCCTTCTGGGACTCTTTGAGCTTCTCAGCCAAGACGTTGATGGTGTTGG-3'
Protein context (NP_004647.1, residues 452-472): LKESQKDLSI[Pro462Arg]LSIKTSSGAG

ClinVar aggregate classification (germline): Uncertain significance (1 of 4 stars; one submission).

Conditions:
BAP1-related tumor predisposition syndrome (TPDS1). Also called: COMMON Syndrome; Tumor susceptibility linked to germline BAP1 mutations; BAP1 tumor predisposition syndrome; TUMOR PREDISPOSITION SYNDROME 1. Identifiers: Orphanet 289539, MedGen C3280492, MONDO:0013692, OMIM 614327.

Submission:

Labcorp Genetics (formerly Invitae), Labcorp
Classification: Uncertain significance for BAP1-related tumor predisposition syndrome. Last evaluated: 2024-07-01. Review status: criteria provided, single submitter. Criteria: Invitae Variant Classification Sherloc (09022015). Collection method: clinical testing. Allele origin: germline.
Comment: This sequence change replaces proline, which is neutral and non-polar, with arginine, which is basic and polar, at codon 462 of the BAP1 protein (p.Pro462Arg). This variant is not present in population databases (gnomAD no frequency). This variant has not been reported in the literature in individuals affected with BAP1-related conditions. Advanced modeling of protein sequence and biophysical properties (such as structural, functional, and spatial information, amino acid conservation, physicochemical variation, residue mobility, and thermodynamic stability) has been performed at Invitae for this missense variant, however the output from this modeling did not meet the statistical confidence thresholds required to predict the impact of this variant on BAP1 protein function. In summary, the available evidence is currently insufficient to determine the role of this variant in disease. Therefore, it has been classified as a Variant of Uncertain Significance.